The following is an entry in ClinVar:

NM_000492.4(CFTR):c.974A>G (p.Tyr325Cys)

Gene: CFTR (CF transmembrane conductance regulator; plus strand). Cytogenetic location: 7q31.2.
Variant type: single nucleotide variant.
Coding change: c.974A>G on transcript NM_000492.4 (MANE Select); coding-DNA position 974, A replaced by G.
Protein change: p.Tyr325Cys; replaces tyrosine 325 with cysteine.
Molecular consequence: missense variant.
Genome position (GRCh38, 1-based): chr7:117,540,204, A>G. VCF-style: chr7-117540204-A-G. GRCh37 (hg19) VCF-style: chr7-117180258-A-G.
Other names: short protein forms Y325C.
Identifiers: ClinVar variation 598686 (VCV000598686.10), dbSNP rs373998255, ClinGen allele CA4450873.
Genomic context (GRCh38, chr7:117,540,204, plus strand): 5'-TCAATAGCTCAGCCTTCTTCTTCTCAGGGTTCTTTGTGGTGTTTTTATCTGTGCTTCCCT[A>G]TGCACTAATCAAAGGAATCATCCTCCGGAAAATATTCACCACCATCTCATTCTGCATTGT-3'
Protein context (NP_000483.3, residues 315-335): FFVVFLSVLP[Tyr325Cys]ALIKGIILRK

ClinVar aggregate classification (germline): Uncertain significance. Review status: criteria provided, multiple submitters, no conflicts (2 of 4 stars). 4 submissions from 4 submitters: Uncertain significance (4). Last evaluated 2025-10-02.

Conditions:
Cystic fibrosis (CF). Also called: MUCOVISCIDOSIS. Identifiers: Orphanet 586, MedGen C0010674, MONDO:0009061, OMIM 219700. Disease mechanism: loss of function.

Allele frequency attached by ClinVar (database versions not stated): ESP Exome Variant Server 0.00008; gnomAD 0.00003 and 0.00004; gnomAD exomes 0.00003 and below 0.00001; ExAC 0.00001; TOPMed 0.00002.
gnomAD v4.1: 55 of 1,613,902 alleles (0.0034%); highest among the groups gnomAD compares: Non-Finnish European, 0.0043%; no homozygotes.

Submissions (4):

Labcorp Genetics (formerly Invitae), Labcorp
Classification: Uncertain significance for Cystic fibrosis. Last evaluated: 2025-10-02. Review status: criteria provided, single submitter. Criteria: Invitae Variant Classification Sherloc (09022015). Collection method: clinical testing. Allele origin: germline.
Comment: This sequence change replaces tyrosine, which is neutral and polar, with cysteine, which is neutral and slightly polar, at codon 325 of the CFTR protein (p.Tyr325Cys). This variant is present in population databases (rs373998255, gnomAD 0.004%). This missense change has been observed in individual(s) with clinical features of autosomal recessive CFTR-related conditions (PMID: 23810505). ClinVar contains an entry for this variant (Variation ID: 598686). Invitae Evidence Modeling of protein sequence and biophysical properties (such as structural, functional, and spatial information, amino acid conservation, physicochemical variation, residue mobility, and thermodynamic stability) indicates that this missense variant is expected to disrupt CFTR protein function with a positive predictive value of 80%. Experimental studies have shown that this missense change does not substantially affect CFTR function (PMID: 18056267). In summary, the available evidence is currently insufficient to determine the role of this variant in disease. Therefore, it has been classified as a Variant of Uncertain Significance.

Ambry Genetics
Classification: Uncertain significance for Cystic fibrosis. Last evaluated: 2023-10-26. Review status: criteria provided, single submitter. Criteria: Ambry Variant Classification Scheme 2023. Collection method: clinical testing. Allele origin: germline.
Comment: The p.Y325C variant (also known as c.974A>G), located in coding exon 8 of the CFTR gene, results from an A to G substitution at nucleotide position 974. The tyrosine at codon 325 is replaced by cysteine, an amino acid with highly dissimilar properties. This alteration was first described in a child diagnosed with CFTR-related metabolic syndrome (CRMS); this child carried the pathogenic mutation p.F508del and the polymorphism p.I1027T on opposite chromosomes (Prach L et al. J Mol Diagn, 2013 Sep;15:710-22). This amino acid position is well conserved in available vertebrate species. In addition, the in silico prediction for this alteration is inconclusive. Since supporting evidence is limited at this time, the clinical significance of this alteration remains unclear.

Women's Health and Genetics/Laboratory Corporation of America, LabCorp
Classification: Uncertain significance. Last evaluated: 2023-05-23. Review status: criteria provided, single submitter. Criteria: LabCorp Variant Classification Summary - May 2015. Collection method: clinical testing. Allele origin: germline.
Comment: Variant summary: CFTR c.974A>G (p.Tyr325Cys) results in a non-conservative amino acid change located in the ABC transporter type 1, transmembrane domain (IPR011527) of the encoded protein sequence. Five of five in-silico tools predict a damaging effect of the variant on protein function. The variant allele was found at a frequency of 4e-06 in 251284 control chromosomes (gnomAD). The available data on variant occurrences in the general population are insufficient to allow any conclusion about variant significance. c.974A>G has been reported in the literature in at least one compound heterozygous infant carrying the F508del variant and diagnosed with CFTR-related metabolic syndrome, however, the infant had normal sweat chloride and fecal elastase levels (e.g., Prach_2013). This report therefore does not provide unequivocal conclusions about association of the variant with Chronic Pancreatitis Risk. At least one publication reports experimental evidence suggesting the variant did not greatly alter channel conductivity relative to the wild-type in Xenopus oocytes, however, these findings do not allow convincing conclusions about the variant effect (e.g., Beck_2008). The following publications have been ascertained in the context of this evaluation (PMID: 18056267, 23810505). Three ClinVar submitters (evaluation after 2014) have cited the variant, and all submitters classified the variant as uncertain significance. Based on the evidence outlined above, the variant was classified as uncertain significance.

Eurofins Ntd Llc (ga)
Classification: Uncertain significance. Last evaluated: 2018-09-13. Review status: criteria provided, single submitter. Criteria: EGL ClinVar v180209 classification definitions. Collection method: clinical testing. Allele origin: germline. Observed: 1 variant allele, 1 heterozygote.

Literature cited by the submitters: PubMed 23810505 (cited by 3 submitters); PubMed 18056267 (cited by Labcorp Genetics (formerly Invitae), Labcorp and Women's Health and Genetics/Laboratory Corporation of America, LabCorp).